The following is an entry in ClinVar:

ClinVar aggregate classification (germline): Likely benign. Review status: criteria provided, multiple submitters, no conflicts (2 of 4 stars). 6 submissions from 6 submitters: Likely benign (5). 1 of the submissions does not count toward it. Last evaluated 2025-12-09.

Conditions:
Cardiovascular phenotype. Identifiers: MedGen CN230736.
MYH7-related disorder. Also called: MYH7-related disorders; MYH7-related condition; MYH7-related disease.
Cardiomyopathy (CMYO). Also called: Cardiomyopathies. Identifiers: Orphanet 167848, MedGen C0878544, MONDO:0004994, HP:0001638. Inheritance: Various modes of inheritance.
Hypertrophic cardiomyopathy. Also called: HYPERTROPHIC MYOCARDIOPATHY. Identifiers: Orphanet 217569, MedGen C0007194, MeSH D002312, MONDO:0005045, HP:0001639.

Allele frequency attached by ClinVar (database versions not stated): 1000 Genomes Project 0.00020; gnomAD 0.00003; gnomAD exomes 0.00003 and 0.00005; ExAC 0.00004; TOPMed 0.00004; 1000 Genomes Project 30x 0.00016.

Submissions (6):

Labcorp Genetics (formerly Invitae), Labcorp
Classification: Likely benign for Hypertrophic cardiomyopathy. Last evaluated: 2025-12-09. Review status: criteria provided, single submitter. Criteria: Invitae Variant Classification Sherloc (09022015). Collection method: clinical testing. Allele origin: germline.

Ambry Genetics
Classification: Likely benign for Cardiovascular phenotype. Last evaluated: 2021-03-31. Review status: criteria provided, single submitter. Criteria: Ambry Variant Classification Scheme 2023. Collection method: clinical testing. Allele origin: germline.

GeneDx
Classification: Likely benign. Last evaluated: 2020-02-20. Review status: criteria provided, single submitter. Criteria: GeneDx Variant Classification Process June 2021. Collection method: clinical testing. Allele origin: germline. Affected: yes.

Color Diagnostics, LLC DBA Color Health
Classification: Likely benign for Cardiomyopathy. Last evaluated: 2018-12-03. Review status: criteria provided, single submitter. Criteria: ACMG Guidelines, 2015. Collection method: clinical testing. Allele origin: germline.

Laboratory for Molecular Medicine, Mass General Brigham Personalized Medicine
Classification: Likely benign. Last evaluated: 2015-10-01. Review status: criteria provided, single submitter. Criteria: LMM Criteria. Collection method: clinical testing. Allele origin: germline. Observed: 1 variant allele.
Comment: c.5656-5C>T in intron 38 of MYH7: This variant is not expected to have clinical significance because a C>T change at this position does not diverge from the spl ice consensus sequence and is therefore unlikely to impact splicing. It has been identified in 4/8654 East Asian chromosomes by the Exome Aggregation Consortium (ExAC; rs200231434).

PreventionGenetics, part of Exact Sciences
Classification: Likely benign for MYH7-related condition. Last evaluated: 2019-04-25. Review status: no assertion criteria provided. Collection method: clinical testing. Allele origin: germline. Not counted in ClinVar's aggregate classification.
Comment: This variant is classified as likely benign based on ACMG/AMP sequence variant interpretation guidelines (Richards et al. 2015 PMID: 25741868, with internal and published modifications).

NM_000257.4(MYH7):c.5656-5C>T

Gene: MYH7 (myosin heavy chain 7; minus strand). Cytogenetic location: 14q11.2.
Variant type: single nucleotide variant.
Coding change: c.5656-5C>T on transcript NM_000257.4 (MANE Select); 5 bases into the intron before coding-DNA position 5656, C replaced by T.
Molecular consequence: intron variant.
Genome position (GRCh38, 1-based): chr14:23,413,898, G>A on the plus strand (C>T on the coding strand, the complement: MYH7 is on the minus strand). VCF-style: chr14-23413898-G-A. GRCh37 (hg19) VCF-style: chr14-23883107-G-A.
Identifiers: ClinVar variation 227600 (VCV000227600.22), dbSNP rs200231434, ClinGen allele CA047902.